The following is an entry in ClinVar:

ClinVar aggregate classification (germline): Uncertain significance. Review status: criteria provided, multiple submitters, no conflicts (2 of 4 stars). 3 submissions from 3 submitters: Uncertain significance (3). Last evaluated 2025-07-07.

Conditions:
Cardiomyopathy (CMYO). Also called: Cardiomyopathies. Identifiers: Orphanet 167848, MedGen C0878544, MONDO:0004994, HP:0001638. Inheritance: Various modes of inheritance.
Arrhythmogenic cardiomyopathy with wooly hair and keratoderma. Also called: PALMOPLANTAR KERATODERMA WITH LEFT VENTRICULAR CARDIOMYOPATHY AND WOOLLY HAIR; Carvajal syndrome; Dilated cardiomyopathy with woolly hair and keratoderma; Arrhythmogenic cardiomyopathy with woolly hair and keratoderma. Identifiers: Orphanet 65282, MedGen C1854063, MONDO:0011581, OMIM 605676.
Arrhythmogenic right ventricular dysplasia 8 (ARVD8). Also called: ARRHYTHMOGENIC RIGHT VENTRICULAR DYSPLASIA, FAMILIAL, 8; ARRHYTHMOGENIC RIGHT VENTRICULAR CARDIOMYOPATHY 8; Arrhythmogenic Right Ventricular Dysplasia/Cardiomyopathy 8. Identifiers: MedGen C1843896, MONDO:0011831, OMIM 607450.
Cardiovascular phenotype. Identifiers: MedGen CN230736.

Submissions (3):

Color Diagnostics, LLC DBA Color Health
Classification: Uncertain significance for Cardiomyopathy. Last evaluated: 2025-07-07. Review status: criteria provided, single submitter. Criteria: ACMG Guidelines, 2015. Collection method: clinical testing. Allele origin: germline.
Comment: This missense variant replaces valine with isoleucine at codon 505 of the DSP protein. Computational prediction suggests that this variant may not impact protein structure and function. To our knowledge, functional studies have not been reported for this variant. This variant has not been reported in individuals affected with DSP-related disorders in the literature. This variant has not been identified in the general population by the Genome Aggregation Database (gnomAD). The available evidence is insufficient to determine the role of this variant in disease conclusively. Therefore, this variant is classified as a Variant of Uncertain Significance.

Ambry Genetics
Classification: Uncertain significance for Cardiovascular phenotype. Last evaluated: 2023-02-10. Review status: criteria provided, single submitter. Criteria: Ambry Variant Classification Scheme 2023. Collection method: clinical testing. Allele origin: germline.
Comment: The p.V505I variant (also known as c.1513G>A), located in coding exon 12 of the DSP gene, results from a G to A substitution at nucleotide position 1513. The valine at codon 505 is replaced by isoleucine, an amino acid with highly similar properties. This amino acid position is well conserved in available vertebrate species. In addition, this alteration is predicted to be tolerated by in silico analysis. Since supporting evidence is limited at this time, the clinical significance of this alteration remains unclear.

Labcorp Genetics (formerly Invitae), Labcorp
Classification: Uncertain significance for Arrhythmogenic cardiomyopathy with wooly hair and keratoderma; Arrhythmogenic right ventricular dysplasia 8. Last evaluated: 2022-11-15. Review status: criteria provided, single submitter. Criteria: Invitae Variant Classification Sherloc (09022015). Collection method: clinical testing. Allele origin: germline.
Comment: This sequence change replaces valine, which is neutral and non-polar, with isoleucine, which is neutral and non-polar, at codon 505 of the DSP protein (p.Val505Ile). This variant is not present in population databases (gnomAD no frequency). This variant has not been reported in the literature in individuals affected with DSP-related conditions. Algorithms developed to predict the effect of missense changes on protein structure and function (SIFT, PolyPhen-2, Align-GVGD) all suggest that this variant is likely to be disruptive. In summary, the available evidence is currently insufficient to determine the role of this variant in disease. Therefore, it has been classified as a Variant of Uncertain Significance.

NM_004415.4(DSP):c.1513G>A (p.Val505Ile)

Gene: DSP (desmoplakin; plus strand). Cytogenetic location: 6p24.3.
Variant type: single nucleotide variant.
Coding change: c.1513G>A on transcript NM_004415.4 (MANE Select); coding-DNA position 1513, G replaced by A.
Protein change: p.Val505Ile; replaces valine 505 with isoleucine.
Molecular consequence: missense variant.
Genome position (GRCh38, 1-based): chr6:7,569,279, G>A. VCF-style: chr6-7569279-G-A. GRCh37 (hg19) VCF-style: chr6-7569512-G-A.
Other names: c.1513G>A, p.Val505Ile (NM_001008844.3, NM_001319034.2); short protein forms V505I.
Identifiers: ClinVar variation 2453258 (VCV002453258.6), dbSNP rs794728113, ClinGen allele CA362677677.